The following is an entry in ClinVar:

NM_030665.4(RAI1):c.4152T>C (p.Asn1384=)

Gene: RAI1 (retinoic acid induced 1; plus strand). Cytogenetic location: 17p11.2.
Variant type: single nucleotide variant.
Coding change: c.4152T>C on transcript NM_030665.4 (MANE Select); coding-DNA position 4152, T replaced by C.
Protein change: p.Asn1384=; no amino-acid change (asparagine 1384 retained).
Molecular consequence: synonymous variant.
Genome position (GRCh38, 1-based): chr17:17,797,100, T>C. VCF-style: chr17-17797100-T-C. GRCh37 (hg19) VCF-style: chr17-17700414-T-C.
Identifiers: ClinVar variation 5001741 (VCV005001741.1).

ClinVar aggregate classification (germline): Likely benign (1 of 4 stars; one submission).

Conditions:
RAI1-related disorder. Also called: RAI1-related condition.

gnomAD v4.1: 1 of 1,613,918 alleles (0.000062%); highest among the groups gnomAD compares: Non-Finnish European, 0.000085%; no homozygotes.

Submission:

PreventionGenetics, part of Exact Sciences
Classification: Likely benign for RAI1-related condition. Last evaluated: 2025-04-28. Review status: criteria provided, single submitter. Criteria: ACMG Guidelines, 2015. Collection method: clinical testing. Allele origin: germline.
Comment: This variant is classified as likely benign based on ACMG/AMP sequence variant interpretation guidelines (Richards et al. 2015 PMID: 25741868, with internal and published modifications).